The following is an entry in ClinVar:

NM_002582.4(PARN):c.904T>C (p.Cys302Arg)

Gene: PARN (poly(A)-specific ribonuclease; minus strand). Cytogenetic location: 16p13.12.
Variant type: single nucleotide variant.
Coding change: c.904T>C on transcript NM_002582.4 (MANE Select); coding-DNA position 904, T replaced by C.
Protein change: p.Cys302Arg; replaces cysteine 302 with arginine.
Molecular consequence: missense variant.
Genome position (GRCh38, 1-based): chr16:14,593,315, A>G on the plus strand (T>C on the coding strand, the complement: PARN is on the minus strand). VCF-style: chr16-14593315-A-G. GRCh37 (hg19) VCF-style: chr16-14687172-A-G.
Other names: c.721T>C, p.Cys241Arg (NM_001134477.3); c.766T>C, p.Cys256Arg (NM_001242992.2); short protein forms C241R, C256R, C302R.
Identifiers: ClinVar variation 2937841 (VCV002937841.3), dbSNP rs2507959725, ClinGen allele CA394804554.

ClinVar aggregate classification (germline): Uncertain significance (1 of 4 stars; one submission).

Conditions:
Dyskeratosis congenita, autosomal recessive 6 (DKCB6). Identifiers: MedGen C4225356, MONDO:0014600, OMIM 616353.
Pulmonary fibrosis and/or bone marrow failure, Telomere-related, 4. Also called: PULMONARY FIBROSIS AND/OR BONE MARROW FAILURE SYNDROME, TELOMERE-RELATED, 4. Identifiers: Orphanet 2032, MedGen C4225347, MONDO:0014612, OMIM 616371.

Submission:

Labcorp Genetics (formerly Invitae), Labcorp
Classification: Uncertain significance for Dyskeratosis congenita, autosomal recessive 6; Pulmonary fibrosis and/or bone marrow failure, Telomere-related, 4. Last evaluated: 2023-02-21. Review status: criteria provided, single submitter. Criteria: Invitae Variant Classification Sherloc (09022015). Collection method: clinical testing. Allele origin: germline.
Comment: Advanced modeling of protein sequence and biophysical properties (such as structural, functional, and spatial information, amino acid conservation, physicochemical variation, residue mobility, and thermodynamic stability) performed at Invitae indicates that this missense variant is not expected to disrupt PARN protein function. This variant has not been reported in the literature in individuals affected with PARN-related conditions. This variant is not present in population databases (gnomAD no frequency). This sequence change replaces cysteine, which is neutral and slightly polar, with arginine, which is basic and polar, at codon 302 of the PARN protein (p.Cys302Arg). In summary, the available evidence is currently insufficient to determine the role of this variant in disease. Therefore, it has been classified as a Variant of Uncertain Significance.